The following is an entry in ClinVar:

ClinVar aggregate classification (germline): Pathogenic (1 of 4 stars; one submission).

Submission:

Labcorp Genetics (formerly Invitae), Labcorp
Classification: Pathogenic. Last evaluated: 2024-07-05. Review status: criteria provided, single submitter. Criteria: Invitae Variant Classification Sherloc (09022015). Collection method: clinical testing. Allele origin: germline.
Comment: This sequence change creates a premature translational stop signal (p.Tyr376Leufs*3) in the CYLD gene. It is expected to result in an absent or disrupted protein product. Loss-of-function variants in CYLD are known to be pathogenic (PMID: 19462465). This variant is not present in population databases (gnomAD no frequency). This variant has not been reported in the literature in individuals affected with CYLD-related conditions. For these reasons, this variant has been classified as Pathogenic.

Literature cited by the submitters: PubMed 19462465.

NM_001378743.1(CYLD):c.1126dup (p.Tyr376fs)

Gene: CYLD (CYLD lysine 63 deubiquitinase; plus strand). Cytogenetic location: 16q12.1.
Variant type: Duplication.
Coding change: c.1126dup on transcript NM_001378743.1 (MANE Select); coding-DNA position 1126, one base duplicated (T; older notation c.1126dupT).
Protein change: p.Tyr376fs; shifts the reading frame from tyrosine 376.
Molecular consequence: frameshift variant. On other transcripts: non-coding transcript variant (1).
Genome position (GRCh38, 1-based): chr16:50,777,929, T duplicated. VCF-style (leftmost placement, unchanged base first): chr16-50777928-G-GT. GRCh37 (hg19) VCF-style: chr16-50811839-G-GT.
Other names: c.1117dup, p.Tyr373fs (NM_001042355.2, NM_001042412.3, NM_001378744.1 and 9 more transcripts); c.451dup, p.Tyr151fs (NM_001378754.1, NM_001378755.1); c.1126dup, p.Tyr376fs (NM_015247.3); short protein forms Y373fs, Y376fs, Y151fs.
Identifiers: ClinVar variation 3657926 (VCV003657926.2).